The following is an entry in ClinVar:

ClinVar aggregate classification (germline): Benign (1 of 4 stars; one submission).

Conditions:
Colorectal cancer, susceptibility to, 1. Also called: COLORECTAL ADENOMA AND CANCER, SUSCEPTIBILITY TO; COLORECTAL CANCER, SUSCEPTIBILITY TO, ON CHROMOSOME 9. Identifiers: MedGen C1837315, MONDO:0012132, OMIM 608812.

Submission:

Myriad Genetics, Inc.
Classification: Benign for Colorectal cancer, susceptibility to, 1. Last evaluated: 2026-04-24. Review status: criteria provided, single submitter. Criteria: Myriad Autosomal Dominant, Autosomal Recessive and X-Linked Classification Criteria (2023). Collection method: clinical testing. Allele origin: unknown.
Comment: This variant is considered benign. This variant is a silent/synonymous amino acid change and it is not expected to impact splicing.

NM_024642.5(GALNT12):c.1077C>A (p.Ser359=)

Gene: GALNT12 (polypeptide N-acetylgalactosaminyltransferase 12; plus strand). Cytogenetic location: 9q22.33.
Variant type: single nucleotide variant.
Coding change: c.1077C>A on transcript NM_024642.5 (MANE Select); coding-DNA position 1077, C replaced by A.
Protein change: p.Ser359=; no amino-acid change (serine 359 retained).
Molecular consequence: synonymous variant.
Genome position (GRCh38, 1-based): chr9:98,837,013, C>A. VCF-style: chr9-98837013-C-A. GRCh37 (hg19) VCF-style: chr9-101599295-C-A.
Identifiers: ClinVar variation 4875763 (VCV004875763.1).
Genomic context (GRCh38, chr9:98,837,013, plus strand): 5'-TCCTTTTCTCTGTGTGCAGATCTGGCAGTGTGGTGGGGTTCTGGAAACACACCCATGTTC[C>A]CATGTTGGCCATGTTTTCCCCAAGCAAGCTCCCTACTCCCGCAACAAGGCTCTGGCCAAC-3'
Protein context (NP_078918.3, residues 349-369): CGGVLETHPC[Ser359=]HVGHVFPKQA